The following is an entry in ClinVar:

NM_004329.3(BMPR1A):c.264A>T (p.Glu88Asp)

Gene: BMPR1A (bone morphogenetic protein receptor type 1A; plus strand). Cytogenetic location: 10q23.2.
Variant type: single nucleotide variant.
Coding change: c.264A>T on transcript NM_004329.3 (MANE Select); coding-DNA position 264, A replaced by T.
Protein change: p.Glu88Asp; replaces glutamic acid 88 with aspartic acid.
Molecular consequence: missense variant.
Genome position (GRCh38, 1-based): chr10:86,892,160, A>T. VCF-style: chr10-86892160-A-T. GRCh37 (hg19) VCF-style: chr10-88651917-A-T.
Other names: c.264A>T, p.Glu88Asp (NM_001406566.1, NM_001406567.1, NM_001406568.1 and 23 more transcripts); c.180A>T, p.Glu60Asp (NM_001406584.1, NM_001406585.1, NM_001406586.1 and 2 more transcripts); short protein forms E88D, E60D.
Identifiers: ClinVar variation 1794294 (VCV001794294.6), dbSNP rs2539445602, ClinGen allele CA377448054.

ClinVar aggregate classification (germline): Uncertain significance. Review status: criteria provided, multiple submitters, no conflicts (2 of 4 stars). 3 submissions from 3 submitters: Uncertain significance (3). Last evaluated 2025-09-14.

Conditions:
Juvenile polyposis syndrome (JPS). Identifiers: Orphanet 2929, MedGen C0345893, MONDO:0017380, OMIM 174900.
Hereditary cancer-predisposing syndrome. Also called: Neoplastic Syndromes, Hereditary; Tumor predisposition; Hereditary neoplastic syndrome; Hereditary Cancer Syndrome. Identifiers: Orphanet 140162, MedGen C0027672, MeSH D009386, MONDO:0015356.

Allele frequency attached by ClinVar (database versions not stated): gnomAD exomes below 0.00001.
gnomAD v4.1: 1 of 1,613,820 alleles (0.000062%); highest among the groups gnomAD compares: South Asian, 0.0011%; no homozygotes.

Submissions (3):

Labcorp Genetics (formerly Invitae), Labcorp
Classification: Uncertain significance for Juvenile polyposis syndrome. Last evaluated: 2025-09-14. Review status: criteria provided, single submitter. Criteria: Invitae Variant Classification Sherloc (09022015). Collection method: clinical testing. Allele origin: germline.
Comment: This sequence change replaces glutamic acid, which is acidic and polar, with aspartic acid, which is acidic and polar, at codon 88 of the BMPR1A protein (p.Glu88Asp). This variant is not present in population databases (gnomAD no frequency). This variant has not been reported in the literature in individuals affected with BMPR1A-related conditions. ClinVar contains an entry for this variant (Variation ID: 1794294). Invitae Evidence Modeling of protein sequence and biophysical properties (such as structural, functional, and spatial information, amino acid conservation, physicochemical variation, residue mobility, and thermodynamic stability) has been performed for this missense variant. However, the output from this modeling did not meet the statistical confidence thresholds required to predict the impact of this variant on BMPR1A protein function. In summary, the available evidence is currently insufficient to determine the role of this variant in disease. Therefore, it has been classified as a Variant of Uncertain Significance.

Ambry Genetics
Classification: Uncertain significance for Hereditary cancer-predisposing syndrome. Last evaluated: 2024-06-13. Review status: criteria provided, single submitter. Criteria: Ambry Variant Classification Scheme 2023. Collection method: clinical testing. Allele origin: germline.
Comment: The p.E88D variant (also known as c.264A>T), located in coding exon 3 of the BMPR1A gene, results from an A to T substitution at nucleotide position 264. The glutamic acid at codon 88 is replaced by aspartic acid, an amino acid with highly similar properties. This amino acid position is highly conserved in available vertebrate species. In addition, the in silico prediction for this alteration is inconclusive. Since supporting evidence is limited at this time, the clinical significance of this alteration remains unclear.

Color Diagnostics, LLC DBA Color Health
Classification: Uncertain significance for Hereditary cancer-predisposing syndrome. Last evaluated: 2024-03-06. Review status: criteria provided, single submitter. Criteria: ACMG Guidelines, 2015. Collection method: clinical testing. Allele origin: germline.
Comment: This missense variant replaces glutamic acid with aspartic acid at codon 88 of the BMPR1A protein. Computational prediction suggests that this variant may not impact protein structure and function (internally defined REVEL score threshold <= 0.5, PMID: 27666373). To our knowledge, functional studies have not been reported for this variant. This variant has not been reported in individuals affected with BMPR1A-related disorders in the literature. This variant has not been identified in the general population by the Genome Aggregation Database (gnomAD). The available evidence is insufficient to determine the role of this variant in disease conclusively. Therefore, this variant is classified as a Variant of Uncertain Significance.